The following is an entry in ClinVar:

NM_000492.4(CFTR):c.1811C>G (p.Thr604Ser)

Gene: CFTR (CF transmembrane conductance regulator; plus strand). Cytogenetic location: 7q31.2.
Variant type: single nucleotide variant.
Coding change: c.1811C>G on transcript NM_000492.4 (MANE Select); coding-DNA position 1811, C replaced by G.
Protein change: p.Thr604Ser; replaces threonine 604 with serine.
Molecular consequence: missense variant.
Genome position (GRCh38, 1-based): chr7:117,591,978, C>G. VCF-style: chr7-117591978-C-G. GRCh37 (hg19) VCF-style: chr7-117232032-C-G.
Other names: short protein forms T604S.
Identifiers: ClinVar variation 53394 (VCV000053394.7), dbSNP rs397508308, ClinGen allele CA326686.

ClinVar aggregate classification (germline): Uncertain significance. Review status: criteria provided, multiple submitters, no conflicts (2 of 4 stars). 4 submissions from 4 submitters: Uncertain significance (3). 1 of the submissions does not count toward it. Last evaluated 2026-07-06.

Conditions:
Cystic fibrosis (CF). Also called: MUCOVISCIDOSIS. Identifiers: Orphanet 586, MedGen C0010674, MONDO:0009061, OMIM 219700. Disease mechanism: loss of function.

Allele frequency attached by ClinVar (database versions not stated): gnomAD 0.00001; TOPMed 0.00002.
gnomAD v4.1: 4 of 1,598,380 alleles (0.00025%); highest among the groups gnomAD compares: African/African-American, 0.0054%; no homozygotes.

Submissions (4):

Ambry Genetics
Classification: Uncertain significance for Cystic fibrosis. Last evaluated: 2026-07-06. Review status: criteria provided, single submitter. Criteria: Ambry Variant Classification Scheme 2023. Collection method: clinical testing. Allele origin: germline.
Comment: The p.T604S variant (also known as c.1811C>G), located in coding exon 14 of the CFTR gene, results from a C to G substitution at nucleotide position 1811. The threonine at codon 604 is replaced by serine, an amino acid with similar properties. This amino acid position is highly conserved in available vertebrate species. In addition, this alteration is predicted to be deleterious by in silico analysis. Based on the available evidence, the clinical significance of this variant remains unclear.

Women's Health and Genetics/Laboratory Corporation of America, LabCorp
Classification: Uncertain significance. Last evaluated: 2026-02-02. Review status: criteria provided, single submitter. Criteria: LabCorp Variant Classification Summary - May 2015. Collection method: clinical testing. Allele origin: germline.
Comment: Variant summary: CFTR c.1811C>G (p.Thr604Ser) results in a conservative amino acid change located in the ABC transporter-like, ATP-binding domain (IPR003439) of the encoded protein sequence. Algorithms developed to predict the effect of missense changes on protein structure and function are either unavailable or do not agree on the potential impact of this missense change. Several computational tools predict a significant impact on normal splicing: Three predict the variant creates a 5' donor site. A similar splicing change was reported in the literature in a patient within a CFTR database (Ramalho_2016). The variant was absent in 236058 control chromosomes. The available data on variant occurrences in the general population are insufficient to allow any conclusion about variant significance. c.1811C>G has been observed in a compound heterozygous individual affected with Cystic Fibrosis also carrying the pathogenic F508del variant (Schrijver_2005). These data do not allow any conclusion about variant significance. To our knowledge, no experimental evidence demonstrating an impact on protein function has been reported. The following publications have been ascertained in the context of this evaluation (PMID: 25735457, 34996830, 15858154). ClinVar contains an entry for this variant (Variation ID: 53394). Based on the evidence outlined above, the variant was classified as uncertain significance.

Quest Diagnostics Nichols Institute San Juan Capistrano
Classification: Uncertain significance. Last evaluated: 2021-02-17. Review status: criteria provided, single submitter. Criteria: Quest Diagnostics criteria. Collection method: clinical testing. Allele origin: unknown.

ClinVar Staff, National Center for Biotechnology Information (NCBI)
No classification provided. Condition: CFTR-related disorders. Review status: no classification provided. Collection method: literature only. Allele origin: germline. Affected: yes. Not counted in ClinVar's aggregate classification.

Literature cited by the submitters: PubMed 15858154 (cited by 3 submitters); PubMed 25735457 (cited by Women's Health and Genetics/Laboratory Corporation of America, LabCorp); PubMed 34996830 (cited by Women's Health and Genetics/Laboratory Corporation of America, LabCorp).